The following is an entry in ClinVar:

ClinVar aggregate classification (germline): Pathogenic (1 of 4 stars; one submission).

Conditions:
Purine-nucleoside phosphorylase deficiency. Also called: NUCLEOSIDE PHOSPHORYLASE DEFICIENCY; Immunodeficiency due to purine nucleoside phosphorylase deficiency. Identifiers: Orphanet 760, MedGen C0268125, MONDO:0013171, OMIM 613179.

Submission:

Labcorp Genetics (formerly Invitae), Labcorp
Classification: Pathogenic for Purine-nucleoside phosphorylase deficiency. Last evaluated: 2023-03-08. Review status: criteria provided, single submitter. Criteria: Invitae Variant Classification Sherloc (09022015). Collection method: clinical testing. Allele origin: germline.
Comment: For these reasons, this variant has been classified as Pathogenic. This variant disrupts a region of the PNP protein in which other variant(s) (p.His257Asp) have been determined to be pathogenic (PMID: 15571269, 17407325, 32695102). This suggests that this is a clinically significant region of the protein, and that variants that disrupt it are likely to be disease-causing. This variant has not been reported in the literature in individuals affected with PNP-related conditions. This variant is not present in population databases (gnomAD no frequency). This sequence change creates a premature translational stop signal (p.Asp215Glufs*33) in the PNP gene. While this is not anticipated to result in nonsense mediated decay, it is expected to disrupt the last 75 amino acid(s) of the PNP protein.

Literature cited by the submitters: PubMed 15571269; PubMed 17407325; PubMed 32695102.

NM_000270.4(PNP):c.632_644dup (p.Asp215fs)

Gene: PNP (purine nucleoside phosphorylase; plus strand). Cytogenetic location: 14q11.2.
Variant type: Duplication.
Coding change: c.632_644dup on transcript NM_000270.4 (MANE Select); coding-DNA positions 632 to 644, 13 bases duplicated (AGCTGGGAGCAGA).
Protein change: p.Asp215fs; shifts the reading frame from aspartic acid 215.
Molecular consequence: frameshift variant.
Genome position (GRCh38, 1-based): chr14:20,475,232-20,475,244, AGCTGGGAGCAGA duplicated; duplicating any 13 consecutive bases within chr14:20,475,227-20,475,244 gives the same sequence; the c. name uses the placement nearest the transcript's 3' end. VCF-style (leftmost placement, unchanged base first): chr14-20475226-T-TGCAGAAGCTGGGA. GRCh37 (hg19) VCF-style: chr14-20943385-T-TGCAGAAGCTGGGA.
Other names: short protein forms D215fs.
Identifiers: ClinVar variation 2844130 (VCV002844130.3), dbSNP rs2501835086, ClinGen allele CA2739277754.